The following is an entry in ClinVar:

ClinVar aggregate classification (germline): Uncertain significance (1 of 4 stars; one submission).

Submission:

Women's Health and Genetics/Laboratory Corporation of America, LabCorp
Classification: Uncertain significance. Last evaluated: 2025-05-05. Review status: criteria provided, single submitter. Criteria: LabCorp Variant Classification Summary - May 2015. Collection method: clinical testing. Allele origin: germline.
Comment: Variant summary: RS1 c.413C>G (p.Thr138Ser) results in a conservative amino acid change in the encoded protein sequence. Algorithms developed to predict the effect of missense changes on protein structure and function are either unavailable or do not agree on the potential impact of this missense change. The variant was absent in 183520 control chromosomes. The available data on variant occurrences in the general population are insufficient to allow any conclusion about variant significance. To our knowledge, no occurrence of c.413C>G in individuals affected with Juvenile Retinoschisis and no experimental evidence demonstrating its impact on protein function have been reported. No submitters have cited clinical-significance assessments for this variant to ClinVar. Based on the evidence outlined above, the variant was classified as uncertain significance.

NM_000330.4(RS1):c.413C>G (p.Thr138Ser)

Genes: CDKL5 (cyclin dependent kinase like 5; plus strand), RS1 (retinoschisin 1; minus strand). Cytogenetic location: Xp22.13.
Variant type: single nucleotide variant.
Coding change: c.413C>G on transcript NM_000330.4 (MANE Select); coding-DNA position 413, C replaced by G.
Protein change: p.Thr138Ser; replaces threonine 138 with serine.
Molecular consequence: missense variant. On other transcripts: intron variant (2).
Genome position (GRCh38, 1-based): chrX:18,644,539, G>C on the plus strand (C>G on the coding strand, the complement: RS1 is on the minus strand). VCF-style: chrX-18644539-G-C. GRCh37 (hg19) VCF-style: chrX-18662659-G-C.
Other names: c.2714-1468G>C (NM_003159.3, NM_001037343.2); short protein forms T138S.
Identifiers: ClinVar variation 3902511 (VCV003902511.1).